The following is an entry in ClinVar:

NM_015205.3(ATP11A):c.*10-41G>A

Genes: ATP11A (ATPase phospholipid transporting 11A; plus strand), LOC128772390 (melanoma risk locus-associated MPRA allelic enhancer 13:113536132; plus strand). Cytogenetic location: 13q34.
Variant type: single nucleotide variant.
Coding change: c.*10-41G>A on transcript NM_015205.3 (MANE Select); 41 bases into the intron before 10 bases downstream of the stop codon, G replaced by A.
Molecular consequence: intron variant. On other transcripts: missense variant (2).
Genome position (GRCh38, 1-based): chr13:112,881,835, G>A. VCF-style: chr13-112881835-G-A. GRCh37 (hg19) VCF-style: chr13-113536149-G-A.
Other names: c.3350G>A, p.Arg1117Gln (NM_001405661.1); c.3347G>A, p.Arg1116Gln (NM_032189.4); c.*12-41G>A (NM_001405663.1); c.3328-41G>A (NM_001405662.1); short protein forms R1117Q, R1116Q.
Identifiers: ClinVar variation 2522173 (VCV002522173.3), dbSNP rs772992390, ClinGen allele CA7057632.

ClinVar aggregate classification (germline): Likely benign. Review status: criteria provided, multiple submitters, no conflicts (2 of 4 stars). 2 submissions from 2 submitters: Likely benign (2). Last evaluated 2026-09-06.

Conditions:
ATP11A-related disorder. Also called: ATP11A-related condition.
Inborn genetic diseases. Identifiers: MedGen C0950123, MeSH D030342.

Allele frequency attached by ClinVar (database versions not stated): TOPMed 0.00002; gnomAD 0.00003; gnomAD exomes 0.00003; ExAC 0.00005.
gnomAD v4.1: 41 of 1,367,450 alleles (0.003%); highest among the groups gnomAD compares: East Asian, 0.068%; no homozygotes.

Submissions (2):

PreventionGenetics, part of Exact Sciences
Classification: Likely benign for ATP11A-related condition. Last evaluated: 2026-09-06. Review status: criteria provided, single submitter. Criteria: ACMG Guidelines, 2015. Collection method: clinical testing. Allele origin: germline.
Comment: This variant is classified as likely benign based on ACMG/AMP sequence variant interpretation guidelines (Richards et al. 2015 PMID: 25741868, with internal and published modifications).

Ambry Genetics
Classification: Likely benign for Inborn genetic diseases. Last evaluated: 2023-05-03. Review status: criteria provided, single submitter. Criteria: Ambry Variant Classification Scheme 2023. Collection method: clinical testing. Allele origin: germline.